The following is an entry in ClinVar:

ClinVar aggregate classification (germline): Pathogenic (1 of 4 stars; one submission).

Submission:

GeneDx
Classification: Pathogenic. Last evaluated: 2022-04-05. Review status: criteria provided, single submitter. Criteria: GeneDx Variant Classification Process June 2021. Collection method: clinical testing. Allele origin: germline. Affected: yes.
Comment: Frameshift variant predicted to result in protein truncation or nonsense mediated decay in a gene for which loss-of-function is a known mechanism of disease; Not observed at significant frequency in large population cohorts (gnomAD); Has not been previously published as pathogenic or benign to our knowledge

NM_206933.4(USH2A):c.4133_4134del (p.Leu1378fs)

Genes: USH2A (usherin; minus strand), USH2A-AS1 (USH2A antisense RNA 1; plus strand). Cytogenetic location: 1q41.
Variant type: Microsatellite.
Coding change: c.4133_4134del on transcript NM_206933.4 (MANE Select); coding-DNA positions 4133 to 4134, 2 bases deleted (TC; older notation c.4133_4134delTC).
Protein change: p.Leu1378fs; shifts the reading frame from leucine 1378.
Molecular consequence: frameshift variant.
Genome position (GRCh38, 1-based): chr1:216,196,670-216,196,671, GA deleted on the plus strand (TC on the coding strand, the reverse complement: USH2A is on the minus strand); deleting any 2 consecutive bases within chr1:216,196,670-216,196,676 gives the same sequence; the c. name uses the placement nearest the transcript's 3' end. VCF-style (leftmost placement, unchanged base first): chr1-216196669-TGA-T. GRCh37 (hg19) VCF-style: chr1-216370011-TGA-T.
Other names: c.4133_4134del, p.Leu1378fs (NM_007123.6); short protein forms L1378fs.
Identifiers: ClinVar variation 1676427 (VCV001676427.2), dbSNP rs397518015, ClinGen allele CA2650511667.
Genomic context (GRCh38, chr1:216,196,669, plus strand): 5'-TGTCATACCCCACAACTTTTCCTCTTGTAACATTATCTGCTGGCTTCTCCCAGGAGATAT[TGA>T]GAGAGTACGAAGAGAGGGGAAAGACTGAAGGAGGGATCATGAATACAGGTGCTATCAATG-3'